The following is an entry in ClinVar:

NM_024120.5(NDUFAF5):c.145C>G (p.Arg49Gly)

Genes: NDUFAF5 (NADH:ubiquinone oxidoreductase complex assembly factor 5; plus strand), LOC130065433 (ATAC-STARR-seq lymphoblastoid active region 17552; plus strand). Cytogenetic location: 20p12.1.
Variant type: single nucleotide variant.
Coding change: c.145C>G on transcript NM_024120.5 (MANE Select); coding-DNA position 145, C replaced by G.
Protein change: p.Arg49Gly; replaces arginine 49 with glycine.
Molecular consequence: missense variant. On other transcripts: 5 prime UTR variant (3), non-coding transcript variant (7).
Genome position (GRCh38, 1-based): chr20:13,785,213, C>G. VCF-style: chr20-13785213-C-G. GRCh37 (hg19) VCF-style: chr20-13765859-C-G.
Other names: c.145C>G (NM_024120.4); c.145C>G, p.Arg49Gly (NM_001039375.3, NM_001352408.2); c.-223C>G (NM_001352403.2); c.-437C>G (NM_001352406.2); c.-551C>G (NM_001352407.2); short protein forms R49G.
Identifiers: ClinVar variation 1162274 (VCV001162274.2), dbSNP rs377078447, ClinGen allele CA408282333.

ClinVar aggregate classification (germline): Uncertain significance. Review status: criteria provided, single submitter (1 of 4 stars). 2 submissions from 2 submitters: Uncertain significance (1). 1 of the submissions does not count toward it. Last evaluated 2023-06-30.

Conditions:
Mitochondrial complex I deficiency, nuclear type 16. Also called: Mitochondrial complex 1 deficiency, nuclear type 16. Identifiers: MedGen C4748785, MONDO:0032621, OMIM 618238.

Submissions (2):

Women's Health and Genetics/Laboratory Corporation of America, LabCorp
Classification: Uncertain significance. Last evaluated: 2023-06-30. Review status: criteria provided, single submitter. Criteria: LabCorp Variant Classification Summary - May 2015. Collection method: clinical testing. Allele origin: germline.
Comment: Variant summary: NDUFAF5 c.145C>G (p.Arg49Gly) results in a non-conservative amino acid change in the encoded protein sequence. Four of five in-silico tools predict a damaging effect of the variant on protein function. The variant was absent in 248814 control chromosomes (gnomAD). The available data on variant occurrences in the general population are insufficient to allow any conclusion about variant significance. c.145C>G has been reported in the literature in an individual affected with Complex 1 deficincy (Tong_2018). These data do not allow any conclusion about variant significance. To our knowledge, no experimental evidence demonstrating an impact on protein function has been reported. The following publications have been ascertained in the context of this evaluation (PMID: 34177781, 34797029, 30473481, 29581464, 34964562). OMIM has classified the variant as pathogenic. Based on the evidence outlined above, the variant was classified as uncertain significance.

OMIM
Classification: Pathogenic for MITOCHONDRIAL COMPLEX I DEFICIENCY, NUCLEAR TYPE 16. Last evaluated: 2021-06-06. Review status: no assertion criteria provided. Collection method: literature only. Allele origin: germline. Not counted in ClinVar's aggregate classification.

Literature cited by the submitters: PubMed 34177781 (cited by Women's Health and Genetics/Laboratory Corporation of America, LabCorp); PubMed 30473481 (cited by Women's Health and Genetics/Laboratory Corporation of America, LabCorp); PubMed 29581464 (cited by Women's Health and Genetics/Laboratory Corporation of America, LabCorp and OMIM); PubMed 34797029 (cited by Women's Health and Genetics/Laboratory Corporation of America, LabCorp); PubMed 34964562 (cited by Women's Health and Genetics/Laboratory Corporation of America, LabCorp).